The following is an entry in ClinVar:

ClinVar aggregate classification (germline): Uncertain significance (1 of 4 stars; one submission).

Submission:

Dasa
Classification: Uncertain significance. Last evaluated: 2024-07-02. Review status: criteria provided, single submitter. Criteria: DASA Assertion Criteria. Collection method: clinical testing. Allele origin: germline.
Comment: NM_007118.4(TRIO):c.8122G>C (p.Val2708Leu) is a missense variant that results in the substitution of valine with leucine. This variant is rare in population databases. The currently available literature and clinical evidence are not sufficient to establish a definitive association between this variant and the reported condition. Therefore, this variant is classified as a variant of uncertain significance.

NM_007118.4(TRIO):c.8122G>C (p.Val2708Leu)

Genes: TRIO (trio Rho guanine nucleotide exchange factor; plus strand), LOC126807323 (CDK7 strongly-dependent group 2 enhancer GRCh37_chr5:14497716-14498915; plus strand). Cytogenetic location: 5p15.2.
Variant type: single nucleotide variant.
Coding change: c.8122G>C on transcript NM_007118.4 (MANE Select); coding-DNA position 8122, G replaced by C.
Protein change: p.Val2708Leu; replaces valine 2708 with leucine.
Molecular consequence: missense variant. On other transcripts: non-coding transcript variant (1).
Genome position (GRCh38, 1-based): chr5:14,498,163, G>C. VCF-style: chr5-14498163-G-C. GRCh37 (hg19) VCF-style: chr5-14498272-G-C.
Other names: short protein forms V2708L.
Identifiers: ClinVar variation 4881113 (VCV004881113.2).